The following is an entry in ClinVar:

ClinVar aggregate classification (germline): Uncertain significance (1 of 4 stars; one submission).

Conditions:
Intellectual disability, CASK-related, X-linked. Identifiers: MedGen CN043158.

gnomAD v4.1: 5 of 1,206,011 alleles (0.00041%); highest among the groups gnomAD compares: Non-Finnish European, 0.00056%; no homozygotes.

Submission:

Labcorp Genetics (formerly Invitae), Labcorp
Classification: Uncertain significance for Intellectual disability, CASK-related, X-linked. Last evaluated: 2025-05-14. Review status: criteria provided, single submitter. Criteria: Invitae Variant Classification Sherloc (09022015). Collection method: clinical testing. Allele origin: germline.
Comment: This sequence change replaces asparagine, which is neutral and polar, with serine, which is neutral and polar, at codon 318 of the CASK protein (p.Asn318Ser). This variant is not present in population databases (gnomAD no frequency). This variant has not been reported in the literature in individuals affected with CASK-related conditions. Invitae Evidence Modeling of protein sequence and biophysical properties (such as structural, functional, and spatial information, amino acid conservation, physicochemical variation, residue mobility, and thermodynamic stability) indicates that this missense variant is not expected to disrupt CASK protein function with a negative predictive value of 80%. In summary, the available evidence is currently insufficient to determine the role of this variant in disease. Therefore, it has been classified as a Variant of Uncertain Significance.

NM_001367721.1(CASK):c.953A>G (p.Asn318Ser)

Gene: CASK (calcium/calmodulin dependent serine protein kinase; minus strand). Cytogenetic location: Xp11.4.
Variant type: single nucleotide variant.
Coding change: c.953A>G on transcript NM_001367721.1 (MANE Select); coding-DNA position 953, A replaced by G.
Protein change: p.Asn318Ser; replaces asparagine 318 with serine.
Molecular consequence: missense variant.
Genome position (GRCh38, 1-based): chrX:41,626,666, T>C on the plus strand (A>G on the coding strand, the complement: CASK is on the minus strand). VCF-style: chrX-41626666-T-C. GRCh37 (hg19) VCF-style: chrX-41485919-T-C.
Other names: c.953A>G, p.Asn318Ser (NM_001126054.3, NM_001126055.3, NM_001410745.1 and 1 more transcripts); short protein forms N318S.
Identifiers: ClinVar variation 4808845 (VCV004808845.1).